The following is an entry in ClinVar:

NM_001365999.1(SZT2):c.4176C>T (p.Thr1392=)

Gene: SZT2 (SZT2 subunit of KICSTOR complex; plus strand). Cytogenetic location: 1p34.2.
Variant type: single nucleotide variant.
Coding change: c.4176C>T on transcript NM_001365999.1 (MANE Select); coding-DNA position 4176, C replaced by T.
Protein change: p.Thr1392=; no amino-acid change (threonine 1392 retained).
Molecular consequence: synonymous variant.
Genome position (GRCh38, 1-based): chr1:43,429,712, C>T. VCF-style: chr1-43429712-C-T. GRCh37 (hg19) VCF-style: chr1-43895383-C-T.
Other names: c.4005C>T, p.Thr1335= (NM_015284.4).
Identifiers: ClinVar variation 416978 (VCV000416978.51), dbSNP rs373047934, ClinGen allele CA809212.

ClinVar aggregate classification (germline): Benign/Likely benign. Review status: criteria provided, multiple submitters, no conflicts (2 of 4 stars). 6 submissions from 6 submitters: Benign (2); Likely benign (4). Last evaluated 2026-07-01.

Conditions:
Inborn genetic diseases. Identifiers: MedGen C0950123, MeSH D030342.
Developmental and epileptic encephalopathy, 18 (DEE18). Also called: Early infantile epileptic encephalopathy 18. Identifiers: Orphanet 369894, MedGen C3809624, MONDO:0014201, OMIM 615476.

Allele frequency attached by ClinVar (database versions not stated): ExAC 0.00026; TOPMed 0.00030; gnomAD 0.00031; gnomAD exomes 0.00033; ESP Exome Variant Server 0.00038.
gnomAD v4.1: 855 of 1,614,026 alleles (0.053%); highest among the groups gnomAD compares: Non-Finnish European, 0.065%; 3 homozygotes.

Submissions (6):

CeGaT Center for Human Genetics Tuebingen
Classification: Likely benign. Last evaluated: 2026-07-01. Review status: criteria provided, single submitter. Criteria: CeGaT Center For Human Genetics Tuebingen Variant Classification Criteria Version 2. Collection method: clinical testing. Allele origin: germline. Affected: yes. Observed: 3 variant alleles.
Comment: SZT2: BP4, BP7

Labcorp Genetics (formerly Invitae), Labcorp
Classification: Benign. Last evaluated: 2026-01-26. Review status: criteria provided, single submitter. Criteria: Invitae Variant Classification Sherloc (09022015). Collection method: clinical testing. Allele origin: germline.

Blueprint Genetics
Classification: Likely benign. Last evaluated: 2024-11-20. Review status: criteria provided, single submitter. Criteria: ACMG Guidelines, 2015. Collection method: clinical testing. Allele origin: germline.

Genome-Nilou Lab
Classification: Benign for Developmental and epileptic encephalopathy, 18. Last evaluated: 2023-04-11. Review status: criteria provided, single submitter. Criteria: ACMG Guidelines, 2015. Collection method: clinical testing. Allele origin: germline. Affected: no.

GeneDx
Classification: Likely benign. Last evaluated: 2020-12-16. Review status: criteria provided, single submitter. Criteria: GeneDx Variant Classification Process June 2021. Collection method: clinical testing. Allele origin: germline. Affected: yes.

Ambry Genetics
Classification: Likely benign for Inborn genetic diseases. Last evaluated: 2016-12-01. Review status: criteria provided, single submitter. Criteria: Ambry Variant Classification Scheme 2023. Collection method: clinical testing. Allele origin: germline.